The following is an entry in ClinVar:

ClinVar aggregate classification (germline): Likely pathogenic. Review status: criteria provided, multiple submitters, no conflicts (2 of 4 stars). 5 submissions from 5 submitters: Likely pathogenic (5). Last evaluated 2024-10-08.

Conditions:
VPS13B-related disorder. Also called: VPS13B-related condition.
Cohen syndrome (COH1). Also called: PEPPER SYNDROME; Cutis verticis gyrata, retinitis pigmentosa, and sensorineural deafness. Identifiers: Orphanet 193, MedGen C0265223, MONDO:0008999, OMIM 216550.

Allele frequency attached by ClinVar (database versions not stated): gnomAD 0.00001; TOPMed 0.00001.
gnomAD v4.1: 14 of 1,613,538 alleles (0.00087%); highest among the groups gnomAD compares: Non-Finnish European, 0.0012%; no homozygotes.

Submissions (5):

Natera, Inc.
Classification: Likely pathogenic for Cohen syndrome. Last evaluated: 2024-10-08. Review status: criteria provided, single submitter. Criteria: Natera Variant Classification Schema (03/2026). Collection method: clinical testing. Allele origin: germline.
Comment: The c.3870+1G>T variant in VPS13B is a canonical splice donor site variant predicted to affect pre-mRNA splicing, which may result in an abnormal transcript and altered protein product. This variant may result in a truncated or dysfunctional protein product. This variant is rare in the general population with a frequency below the threshold expected for the associated phenotype(s). This variant has been observed in one or more individuals affected with the associated recessive disease, as either homozygous or compound heterozygous with a second variant (PMID: 38067130). Given the available evidence, this variant is classified as Likely Pathogenic.

Labcorp Genetics (formerly Invitae), Labcorp
Classification: Likely pathogenic for Cohen syndrome. Last evaluated: 2024-04-29. Review status: criteria provided, single submitter. Criteria: Invitae Variant Classification Sherloc (09022015). Collection method: clinical testing. Allele origin: germline.
Comment: This sequence change affects a donor splice site in intron 25 of the VPS13B gene. It is expected to disrupt RNA splicing. Variants that disrupt the donor or acceptor splice site typically lead to a loss of protein function (PMID: 16199547), and loss-of-function variants in VPS13B are known to be pathogenic (PMID: 15141358, 16648375, 20461111). This variant is present in population databases (rs764225649, gnomAD 0.004%). This variant has not been reported in the literature in individuals affected with VPS13B-related conditions. ClinVar contains an entry for this variant (Variation ID: 559917). Algorithms developed to predict the effect of sequence changes on RNA splicing suggest that this variant may disrupt the consensus splice site. In summary, the currently available evidence indicates that the variant is pathogenic, but additional data are needed to prove that conclusively. Therefore, this variant has been classified as Likely Pathogenic.

Blueprint Genetics
Classification: Likely pathogenic for VPS13B-related disorders. Last evaluated: 2020-09-05. Review status: criteria provided, single submitter. Criteria: ACMG Guidelines, 2015. Collection method: clinical testing. Allele origin: germline. Affected: yes. Observed: 2 variant alleles.

Fulgent Genetics
Classification: Likely pathogenic for Cohen syndrome. Last evaluated: 2018-10-31. Review status: criteria provided, single submitter. Criteria: ACMG Guidelines, 2015. Collection method: clinical testing. Allele origin: unknown.

Equipe Genetique des Anomalies du Developpement, Université de Bourgogne
Classification: Likely pathogenic for Cohen syndrome. Last evaluated: 2015-04-08. Review status: criteria provided, single submitter. Criteria: ACMG Guidelines, 2015. Collection method: clinical testing. Allele origin: unknown. Affected: yes. Study: Clinvar_gadteam_Clinical_exome_analysis_3.

Literature cited by the submitters: PubMed 38067130 (cited by Natera, Inc.); PubMed 16199547 (cited by Labcorp Genetics (formerly Invitae), Labcorp); PubMed 15141358 (cited by Labcorp Genetics (formerly Invitae), Labcorp); PubMed 16648375 (cited by Labcorp Genetics (formerly Invitae), Labcorp); PubMed 20461111 (cited by Labcorp Genetics (formerly Invitae), Labcorp).

NM_152564.5(VPS13B):c.3870+1G>T

Gene: VPS13B (vacuolar protein sorting 13 homolog B; plus strand). Cytogenetic location: 8q22.2.
Variant type: single nucleotide variant.
Coding change: c.3870+1G>T on transcript NM_152564.5 (MANE Select); the canonical splice donor site of the intron after coding-DNA position 3870, G replaced by T.
Molecular consequence: splice donor variant.
Genome position (GRCh38, 1-based): chr8:99,481,803, G>T. VCF-style: chr8-99481803-G-T. GRCh37 (hg19) VCF-style: chr8-100494031-G-T.
Other names: c.3870+1G>T (NM_017890.4, LRG_351t2, NM_017890.5).
Identifiers: ClinVar variation 559917 (VCV000559917.14), dbSNP rs764225649, ClinGen allele CA4823351.